The following is an entry in ClinVar:

NM_170707.4(LMNA):c.371A>G (p.Glu124Gly)

Genes: LMNA (lamin A/C; plus strand), LOC126805877 (MED14-independent group 3 enhancer GRCh37_chr1:156099693-156100892; plus strand). Cytogenetic location: 1q22.
Variant type: single nucleotide variant.
Coding change: c.371A>G on transcript NM_170707.4 (MANE Select); coding-DNA position 371, A replaced by G.
Protein change: p.Glu124Gly; replaces glutamic acid 124 with glycine.
Molecular consequence: missense variant.
Genome position (GRCh38, 1-based): chr1:156,130,631, A>G. VCF-style: chr1-156130631-A-G. GRCh37 (hg19) VCF-style: chr1-156100422-A-G.
Other names: c.35A>G, p.Glu12Gly (NM_001257374.3); c.128A>G, p.Glu43Gly (NM_001282624.2); c.371A>G, p.Glu124Gly (NM_001282625.2, NM_001282626.2, NM_005572.4 and 1 more transcripts); short protein forms E124G, E43G, E12G.
Identifiers: ClinVar variation 845817 (VCV000845817.10), dbSNP rs1650969002, ClinGen allele CA342815045.
Genomic context (GRCh38, chr1:156,130,631, plus strand): 5'-CACACAGACTCCTTCTCTTAAATCTACTCTCCCCTCTCTTCTTTAGCAATACCAAGAAGG[A>G]GGGTGACCTGATAGCTGCTCAGGCTCGGCTGAAGGACCTGGAGGCTCTGCTGAACTCCAA-3'
Protein context (NP_733821.1, residues 114-134): KELKARNTKK[Glu124Gly]GDLIAAQARL

ClinVar aggregate classification (germline): Uncertain significance (1 of 4 stars; one submission).

Conditions:
Charcot-Marie-Tooth disease type 2. Also called: Charcot-Marie-Tooth type 2. Identifiers: Orphanet 64746, MedGen C0270914, MONDO:0018993.

Submission:

Labcorp Genetics (formerly Invitae), Labcorp
Classification: Uncertain significance for Charcot-Marie-Tooth disease type 2. Last evaluated: 2019-04-02. Review status: criteria provided, single submitter. Criteria: Invitae Variant Classification Sherloc (09022015). Collection method: clinical testing. Allele origin: germline.
Comment: This sequence change replaces glutamic acid with glycine at codon 124 of the LMNA protein (p.Glu124Gly). The glutamic acid residue is highly conserved and there is a moderate physicochemical difference between glutamic acid and glycine. This variant is not present in population databases (ExAC no frequency). This variant has not been reported in the literature in individuals with LMNA-related conditions. Algorithms developed to predict the effect of missense changes on protein structure and function (SIFT, PolyPhen-2, Align-GVGD) all suggest that this variant is likely to be disruptive, but these predictions have not been confirmed by published functional studies and their clinical significance is uncertain. In summary, the available evidence is currently insufficient to determine the role of this variant in disease. Therefore, it has been classified as a Variant of Uncertain Significance.